The following is an entry in ClinVar:

ClinVar aggregate classification (germline): Likely benign. Review status: criteria provided, single submitter (1 of 4 stars). 2 submissions from 2 submitters: Likely benign (1). 1 of the submissions does not count toward it. Last evaluated 2025-06-09.

Conditions:
IFT172-related disorder. Also called: IFT172-related condition; IFT172-related disorders.
Short-rib thoracic dysplasia 10 with or without polydactyly (SRTD10). Identifiers: Orphanet 474, MedGen C3810175, MONDO:0014284, OMIM 615630.
Retinitis pigmentosa 71 (RP71). Identifiers: Orphanet 791, MedGen C4225342, MONDO:0014618, OMIM 616394.

Allele frequency attached by ClinVar (database versions not stated): gnomAD exomes 0.00001 and 0.00002; ExAC 0.00002; gnomAD 0.00002; TOPMed 0.00003.
gnomAD v4.1: 13 of 1,612,364 alleles (0.00081%); highest among the groups gnomAD compares: Admixed American, 0.0017%; no homozygotes.

Submissions (2):

Labcorp Genetics (formerly Invitae), Labcorp
Classification: Likely benign for Retinitis pigmentosa 71; Short-rib thoracic dysplasia 10 with or without polydactyly. Last evaluated: 2025-06-09. Review status: criteria provided, single submitter. Criteria: Invitae Variant Classification Sherloc (09022015). Collection method: clinical testing. Allele origin: germline.

PreventionGenetics, part of Exact Sciences
Classification: Likely benign for IFT172-related condition. Last evaluated: 2022-10-11. Review status: no assertion criteria provided. Collection method: clinical testing. Allele origin: germline. Not counted in ClinVar's aggregate classification.
Comment: This variant is classified as likely benign based on ACMG/AMP sequence variant interpretation guidelines (Richards et al. 2015 PMID: 25741868, with internal and published modifications).

NM_015662.3(IFT172):c.3229-4A>G

Gene: IFT172 (intraflagellar transport 172; minus strand). Cytogenetic location: 2p23.3.
Variant type: single nucleotide variant.
Coding change: c.3229-4A>G on transcript NM_015662.3 (MANE Select); 4 bases into the intron before coding-DNA position 3229, A replaced by G.
Molecular consequence: intron variant.
Genome position (GRCh38, 1-based): chr2:27,456,657, T>C on the plus strand (A>G on the coding strand, the complement: IFT172 is on the minus strand). VCF-style: chr2-27456657-T-C. GRCh37 (hg19) VCF-style: chr2-27679524-T-C.
Other names: c.3229-4A>G (NM_015662.2).
Identifiers: ClinVar variation 1625877 (VCV001625877.10), dbSNP rs766026056, ClinGen allele CA1580037.